The following is an entry in ClinVar:

NM_018943.3(TUBA8):c.175G>A (p.Gly59Arg)

Gene: TUBA8 (tubulin alpha 8; plus strand). Cytogenetic location: 22q11.21.
Variant type: single nucleotide variant.
Coding change: c.175G>A on transcript NM_018943.3 (MANE Select); coding-DNA position 175, G replaced by A.
Protein change: p.Gly59Arg; replaces glycine 59 with arginine.
Molecular consequence: missense variant. On other transcripts: 5 prime UTR variant (1).
Genome position (GRCh38, 1-based): chr22:18,121,650, G>A. VCF-style: chr22-18121650-G-A. GRCh37 (hg19) VCF-style: chr22-18604417-G-A.
Other names: c.-24G>A (NM_001193414.2); short protein forms G59R.
Identifiers: ClinVar variation 2782773 (VCV002782773.3), dbSNP rs2517703341, ClinGen allele CA410261798.
Genomic context (GRCh38, chr22:18,121,650, plus strand): 5'-CAAGCTAGCAAGATCAACGATGATGACTCCTTCACCACCTTTTTCAGCGAGACTGGCAAT[G>A]GGAAGCATGTGCCCCGGGCCGTCATGATAGATCTGGAGCCTACTGTAGTGGGTGAGTGGG-3'
Protein context (NP_061816.1, residues 49-69): FTTFFSETGN[Gly59Arg]KHVPRAVMID

ClinVar aggregate classification (germline): Uncertain significance (1 of 4 stars; one submission).

Submission:

Labcorp Genetics (formerly Invitae), Labcorp
Classification: Uncertain significance. Last evaluated: 2022-11-24. Review status: criteria provided, single submitter. Criteria: Invitae Variant Classification Sherloc (09022015). Collection method: clinical testing. Allele origin: germline.
Comment: This sequence change replaces glycine, which is neutral and non-polar, with arginine, which is basic and polar, at codon 59 of the TUBA8 protein (p.Gly59Arg). This variant is not present in population databases (gnomAD no frequency). This variant has not been reported in the literature in individuals affected with TUBA8-related conditions. Advanced modeling of protein sequence and biophysical properties (such as structural, functional, and spatial information, amino acid conservation, physicochemical variation, residue mobility, and thermodynamic stability) performed at Invitae indicates that this missense variant is not expected to disrupt TUBA8 protein function. In summary, the available evidence is currently insufficient to determine the role of this variant in disease. Therefore, it has been classified as a Variant of Uncertain Significance.